The following is an entry in ClinVar:

NM_001183.6(ATP6AP1):c.288+5G>A

Gene: ATP6AP1 (ATPase H+ transporting accessory protein 1; plus strand). Cytogenetic location: Xq28.
Variant type: single nucleotide variant.
Coding change: c.288+5G>A on transcript NM_001183.6 (MANE Select); 5 bases into the intron after coding-DNA position 288, G replaced by A.
Molecular consequence: intron variant.
Genome position (GRCh38, 1-based): chrX:154,429,179, G>A. VCF-style: chrX-154429179-G-A. GRCh37 (hg19) VCF-style: chrX-153657525-G-A.
Identifiers: ClinVar variation 1305964 (VCV001305964.3), dbSNP rs2148221993, ClinGen allele CA2573055173.

ClinVar aggregate classification (germline): Likely pathogenic (1 of 4 stars; one submission).

Submission:

GeneDx
Classification: Likely pathogenic. Last evaluated: 2024-09-18. Review status: criteria provided, single submitter. Criteria: GeneDx Variant Classification Process June 2021. Collection method: clinical testing. Allele origin: germline. Affected: yes.
Comment: Has not been previously published as pathogenic or benign to our knowledge; Not observed at significant frequency in large population cohorts (gnomAD); In silico analysis supports that this variant does not alter splicing; RNA studies demonstrate a damaging effect: predicted to insert 38 aberrant amino acids before a premature termination (Labcorp)